The following is an entry in ClinVar:

ClinVar aggregate classification (germline): Uncertain significance (1 of 4 stars; one submission).

gnomAD v4.1: 31 of 1,614,152 alleles (0.0019%); highest among the groups gnomAD compares: South Asian, 0.033%; no homozygotes.

Submission:

GeneDx
Classification: Uncertain significance. Last evaluated: 2026-02-15. Review status: criteria provided, single submitter. Criteria: GeneDx Variant Classification Process June 2021. Collection method: clinical testing. Allele origin: germline.
Comment: In silico analysis suggests that this missense variant does not alter protein structure/function; Has not been previously published as pathogenic or benign to our knowledge

NM_001024383.2(NAV3):c.3677G>A (p.Ser1226Asn)

Gene: NAV3 (neuron navigator 3; plus strand). Cytogenetic location: 12q21.2.
Variant type: single nucleotide variant.
Coding change: c.3677G>A on transcript NM_001024383.2 (MANE Select); coding-DNA position 3677, G replaced by A.
Protein change: p.Ser1226Asn; replaces serine 1226 with asparagine.
Molecular consequence: missense variant.
Genome position (GRCh38, 1-based): chr12:78,119,873, G>A. VCF-style: chr12-78119873-G-A. GRCh37 (hg19) VCF-style: chr12-78513653-G-A.
Other names: c.2177G>A, p.Ser726Asn (NM_001438019.1); c.3677G>A, p.Ser1226Asn (NM_014903.6); short protein forms S1226N, S726N.
Identifiers: ClinVar variation 5009662 (VCV005009662.1).